The following is an entry in ClinVar:

ClinVar aggregate classification (germline): Uncertain significance (1 of 4 stars; one submission).

Conditions:
Primary ciliary dyskinesia. Also called: Ciliary dyskinesia. Identifiers: Orphanet 244, MedGen C0008780, MONDO:0016575, HP:0012265.

Allele frequency attached by ClinVar (database versions not stated): gnomAD exomes below 0.00001.
gnomAD v4.1: 1 of 1,613,960 alleles (0.000062%); highest among the groups gnomAD compares: Non-Finnish European, 0.000085%; no homozygotes.

Submission:

Ambry Genetics
Classification: Uncertain significance for Primary ciliary dyskinesia. Last evaluated: 2022-11-15. Review status: criteria provided, single submitter. Criteria: Ambry Variant Classification Scheme 2023. Collection method: clinical testing. Allele origin: germline.
Comment: The p.G621D variant (also known as c.1862G>A), located in coding exon 13 of the CCDC114 gene, results from a G to A substitution at nucleotide position 1862. The glycine at codon 621 is replaced by aspartic acid, an amino acid with similar properties. This amino acid position is conserved. In addition, this alteration is predicted to be tolerated by in silico analysis. Since supporting evidence is limited at this time, the clinical significance of this alteration remains unclear.

NM_001364171.2(ODAD1):c.1973G>A (p.Gly658Asp)

Gene: ODAD1 (outer dynein arm docking complex subunit 1; minus strand). Cytogenetic location: 19q13.33.
Variant type: single nucleotide variant.
Coding change: c.1973G>A on transcript NM_001364171.2 (MANE Select); coding-DNA position 1973, G replaced by A.
Protein change: p.Gly658Asp; replaces glycine 658 with aspartic acid.
Molecular consequence: missense variant.
Genome position (GRCh38, 1-based): chr19:48,297,127, C>T on the plus strand (G>A on the coding strand, the complement: ODAD1 is on the minus strand). VCF-style: chr19-48297127-C-T. GRCh37 (hg19) VCF-style: chr19-48800384-C-T.
Other names: c.1862G>A, p.Gly621Asp (NM_144577.4); short protein forms G621D, G658D.
Identifiers: ClinVar variation 2449176 (VCV002449176.2), dbSNP rs1380424120, ClinGen allele CA406651369.